The following is an entry in ClinVar:

ClinVar aggregate classification (germline): Pathogenic (1 of 4 stars; one submission).

Submission:

Labcorp Genetics (formerly Invitae), Labcorp
Classification: Pathogenic. Last evaluated: 2025-06-29. Review status: criteria provided, single submitter. Criteria: Invitae Variant Classification Sherloc (09022015). Collection method: clinical testing. Allele origin: germline.
Comment: This sequence change creates a premature translational stop signal (p.Val27Profs*6) in the MBD4 gene. It is expected to result in an absent or disrupted protein product. Loss-of-function variants in MBD4 are known to be pathogenic (PMID: 30049810, 35460607). This variant is not present in population databases (gnomAD no frequency). This variant has not been reported in the literature in individuals affected with MBD4-related conditions. For these reasons, this variant has been classified as Pathogenic.

Literature cited by the submitters: PubMed 30049810; PubMed 35460607.

NM_001276270.2(MBD4):c.79_80del (p.Val27fs)

Gene: MBD4 (methyl-CpG binding domain 4, DNA glycosylase; minus strand). Cytogenetic location: 3q21.3.
Variant type: Deletion.
Coding change: c.79_80del on transcript NM_001276270.2 (MANE Select); coding-DNA positions 79 to 80, 2 bases deleted (GT; older notation c.79_80delGT).
Protein change: p.Val27fs; shifts the reading frame from valine 27.
Molecular consequence: frameshift variant.
Genome position (GRCh38, 1-based): chr3:129,439,754-129,439,755, AC deleted on the plus strand (GT on the coding strand, the reverse complement: MBD4 is on the minus strand). VCF-style (leftmost placement, unchanged base first): chr3-129439753-GAC-G. GRCh37 (hg19) VCF-style: chr3-129158596-GAC-G.
Other names: c.79_80del, p.Val27fs (NM_001276271.2, NM_001276272.2, NM_001276273.2 and 1 more transcripts); short protein forms V27fs.
Identifiers: ClinVar variation 4722354 (VCV004722354.1).
Genomic context (GRCh38, chr3:129,439,753, plus strand): 5'-TGGTGAAACTGAGGCCCAAAAGGGGACAGTAACTTACCGGAGGTCATTCGGCGGGTCTGG[GAC>G]TAGGCGCTCACTAGAGGTGACGGTGGGGGCAGCTCCGCGGTCCCCCAGACTCAGACTCTC-3'